The following is an entry in ClinVar:

NM_014425.5(INVS):c.106+3A>C

Gene: INVS (inversin; plus strand). Cytogenetic location: 9q31.1.
Variant type: single nucleotide variant.
Coding change: c.106+3A>C on transcript NM_014425.5 (MANE Select); 3 bases into the intron after coding-DNA position 106, A replaced by C.
Molecular consequence: intron variant.
Genome position (GRCh38, 1-based): chr9:100,104,630, A>C. VCF-style: chr9-100104630-A-C. GRCh37 (hg19) VCF-style: chr9-102866912-A-C.
Other names: c.-271+3A>C (NM_001318381.2); c.-884+3A>C (NM_001318382.2).
Identifiers: ClinVar variation 1025089 (VCV001025089.8), dbSNP rs1827113455, ClinGen allele CA1867680070.
Genomic context (GRCh38, chr9:100,104,630, plus strand): 5'-CAAGTCCATGCTGCTGCCGTTAATGGAGATAAGGGTGCTCTACAGAGGCTCATCGTAGGT[A>C]AGCAGTCCCCTTAAGTACAGAAACTTTAAAAGCAACTGTTTGTCCTGAGGAAGTTTGTTA-3'

ClinVar aggregate classification (germline): Uncertain significance (1 of 4 stars; one submission).

Conditions:
Nephronophthisis. Also called: Juvenile Nephronophthisis. Identifiers: Orphanet 655, MedGen C0687120, MONDO:0019005, HP:0000090.

Submission:

Labcorp Genetics (formerly Invitae), Labcorp
Classification: Uncertain significance for Nephronophthisis. Last evaluated: 2022-02-23. Review status: criteria provided, single submitter. Criteria: Invitae Variant Classification Sherloc (09022015). Collection method: clinical testing. Allele origin: germline.
Comment: In summary, the available evidence is currently insufficient to determine the role of this variant in disease. Therefore, it has been classified as a Variant of Uncertain Significance. Variants that disrupt the consensus splice site are a relatively common cause of aberrant splicing (PMID: 17576681, 9536098). Algorithms developed to predict the effect of sequence changes on RNA splicing suggest that this variant may create or strengthen a splice site. ClinVar contains an entry for this variant (Variation ID: 1025089). This variant has not been reported in the literature in individuals affected with INVS-related conditions. This variant is not present in population databases (gnomAD no frequency). This sequence change falls in intron 2 of the INVS gene. It does not directly change the encoded amino acid sequence of the INVS protein. It affects a nucleotide within the consensus splice site.

Literature cited by the submitters: PubMed 17576681; PubMed 9536098.